The following is an entry in ClinVar:

ClinVar aggregate classification (germline): Likely pathogenic (1 of 4 stars; one submission).

Submission:

Labcorp Genetics (formerly Invitae), Labcorp
Classification: Likely pathogenic. Last evaluated: 2025-03-20. Review status: criteria provided, single submitter. Criteria: Invitae Variant Classification Sherloc (09022015). Collection method: clinical testing. Allele origin: germline.
Comment: This variant results in the deletion of part of exon 18 (c.5743_5750+14del) of the TECTA gene. It is expected to disrupt RNA splicing. Variants that disrupt the donor or acceptor splice site typically lead to a loss of protein function (PMID: 16199547), and loss-of-function variants in TECTA are known to be pathogenic (PMID: 11087000, 12746400, 17431902, 24130743). This variant is not present in population databases (gnomAD no frequency). This variant has not been reported in the literature in individuals affected with TECTA-related conditions. In summary, the currently available evidence indicates that the variant is pathogenic, but additional data are needed to prove that conclusively. Therefore, this variant has been classified as Likely Pathogenic.

Literature cited by the submitters: PubMed 16199547; PubMed 11087000; PubMed 12746400; PubMed 17431902; PubMed 24130743.

NM_005422.4(TECTA):c.5743_5750+14del

Genes: TBCEL-TECTA (TBCEL-TECTA readthrough; plus strand), TECTA (tectorin alpha; plus strand). Cytogenetic location: 11q23.3.
Variant type: Deletion.
Coding change: c.5743_5750+14del on transcript NM_005422.4 (MANE Select); coding-DNA position 5743 through 14 bases into the intron after coding-DNA position 5750, 22 bases deleted (ATGCTAAGGTAAGGTGTCTCCT).
Molecular consequence: splice donor variant.
Genome position (GRCh38, 1-based): chr11:121,168,210-121,168,231, ATGCTAAGGTAAGGTGTCTCCT deleted; deleting any 22 consecutive bases within chr11:121,168,207-121,168,231 gives the same sequence; the c. name uses the placement nearest the transcript's 3' end. VCF-style (leftmost placement, unchanged base first): chr11-121168206-GCCTATGCTAAGGTAAGGTGTCT-G. GRCh37 (hg19) VCF-style: chr11-121038915-GCCTATGCTAAGGTAAGGTGTCT-G.
Other names: c.6685_6692+14del (NM_001378761.1).
Identifiers: ClinVar variation 4715545 (VCV004715545.1).
Genomic context (GRCh38, chr11:121,168,206, plus strand): 5'-TGTGGAATTTTCATGTGCTTATGAGCTGGATATCAAGATCTCCTTGGATTCTGTTGTGAA[GCCTATGCTAAGGTAAGGTGTCT>G]CCTGGGCTGTGCACATTGCTTTTTCTATTCCTTGACAGTTAAGGTTAGCATAATCAAAAT-3'